The following is an entry in ClinVar:

NM_032108.4(SEMA6B):c.1652C>G (p.Ser551Cys)

Gene: SEMA6B (semaphorin 6B; minus strand). Cytogenetic location: 19p13.3.
Variant type: single nucleotide variant.
Coding change: c.1652C>G on transcript NM_032108.4 (MANE Select); coding-DNA position 1652, C replaced by G.
Protein change: p.Ser551Cys; replaces serine 551 with cysteine.
Molecular consequence: missense variant.
Genome position (GRCh38, 1-based): chr19:4,546,419, G>C on the plus strand (C>G on the coding strand, the complement: SEMA6B is on the minus strand). VCF-style: chr19-4546419-G-C. GRCh37 (hg19) VCF-style: chr19-4546431-G-C.
Other names: short protein forms S551C.
Identifiers: ClinVar variation 3361415 (VCV003361415.1).

ClinVar aggregate classification (germline): Uncertain significance (1 of 4 stars; one submission).

Submission:

GeneDx
Classification: Uncertain significance. Last evaluated: 2023-07-21. Review status: criteria provided, single submitter. Criteria: GeneDx Variant Classification Process June 2021. Collection method: clinical testing. Allele origin: germline. Affected: yes.
Comment: Not observed at significant frequency in large population cohorts (gnomAD); In silico analysis supports that this missense variant has a deleterious effect on protein structure/function; Has not been previously published as pathogenic or benign to our knowledge